The following is an entry in ClinVar:

ClinVar aggregate classification (germline): Likely pathogenic (1 of 4 stars; one submission).

Conditions:
Peroxisome biogenesis disorder. Identifiers: Orphanet 79189, MedGen C1832200, MONDO:0019234. Disease mechanism: loss of function.

Submission:

Myriad Genetics, Inc.
Classification: Likely pathogenic for Peroxisome biogenesis disorder. Last evaluated: 2022-02-17. Review status: criteria provided, single submitter. Criteria: Myriad Autosomal Dominant, Autosomal Recessive and X-Linked Classification Criteria (2023). Collection method: clinical testing. Allele origin: unknown.
Comment: NM_000466.2(PEX1):c.1822_1823delTT(L608Sfs*6) is expected to be pathogenic in the context of peroxisome biogenesis disorder type 1. This variant is predicted to lead to an abnormal or absent protein product due to the creation of a premature termination codon in PEX1, a gene where loss-of-function variants are known to be pathogenic. Please note: this variant was assessed in the context of healthy population screening.

NM_000466.3(PEX1):c.1822_1823del (p.Leu608fs)

Gene: PEX1 (peroxisomal biogenesis factor 1; minus strand). Cytogenetic location: 7q21.2.
Variant type: Deletion.
Coding change: c.1822_1823del on transcript NM_000466.3 (MANE Select); coding-DNA positions 1822 to 1823, 2 bases deleted (TT; older notation c.1822_1823delTT).
Protein change: p.Leu608fs; shifts the reading frame from leucine 608.
Molecular consequence: frameshift variant.
Genome position (GRCh38, 1-based): chr7:92,506,325-92,506,326, AA deleted on the plus strand (TT on the coding strand, the reverse complement: PEX1 is on the minus strand); deleting any 2 consecutive bases within chr7:92,506,325-92,506,327 gives the same sequence; the c. name uses the placement nearest the transcript's 3' end. VCF-style (leftmost placement, unchanged base first): chr7-92506324-TAA-T. GRCh37 (hg19) VCF-style: chr7-92135638-TAA-T.
Other names: c.1822_1823del, p.Leu608fs (NM_001282677.2); c.1198_1199del, p.Leu400fs (NM_001282678.2); short protein forms L400fs, L608fs.
Identifiers: ClinVar variation 1724444 (VCV001724444.3), dbSNP rs2484673641, ClinGen allele CA2580077830.